The following is an entry in ClinVar:

ClinVar aggregate classification (germline): Uncertain significance. Review status: criteria provided, multiple submitters, no conflicts (2 of 4 stars). 2 submissions from 2 submitters: Uncertain significance (2). Last evaluated 2025-09-05.

Conditions:
Cardiomyopathy (CMYO). Also called: Cardiomyopathies. Identifiers: Orphanet 167848, MedGen C0878544, MONDO:0004994, HP:0001638. Inheritance: Various modes of inheritance.
Hypertrophic cardiomyopathy. Also called: HYPERTROPHIC MYOCARDIOPATHY. Identifiers: Orphanet 217569, MedGen C0007194, MeSH D002312, MONDO:0005045, HP:0001639.

Submissions (2):

Color Diagnostics, LLC DBA Color Health
Classification: Uncertain significance for Cardiomyopathy. Last evaluated: 2025-09-05. Review status: criteria provided, single submitter. Criteria: ACMG Guidelines, 2015. Collection method: clinical testing. Allele origin: germline.
Comment: This missense variant replaces alanine with serine at codon 1190 of the MYH7 protein. Computational prediction suggests that this variant may not impact protein structure and function. To our knowledge, functional studies have not been reported for this variant. This variant has not been reported in individuals affected with MYH7-related disorders in the literature. This variant has not been identified in the general population by the Genome Aggregation Database (gnomAD). The available evidence is insufficient to determine the role of this variant in disease conclusively. Therefore, this variant is classified as a Variant of Uncertain Significance.

Labcorp Genetics (formerly Invitae), Labcorp
Classification: Uncertain significance for Hypertrophic cardiomyopathy. Last evaluated: 2025-04-24. Review status: criteria provided, single submitter. Criteria: Invitae Variant Classification Sherloc (09022015). Collection method: clinical testing. Allele origin: germline.
Comment: This sequence change replaces alanine, which is neutral and non-polar, with serine, which is neutral and polar, at codon 1190 of the MYH7 protein (p.Ala1190Ser). This variant is not present in population databases (gnomAD no frequency). This variant has not been reported in the literature in individuals affected with MYH7-related conditions. ClinVar contains an entry for this variant (Variation ID: 2824728). Invitae Evidence Modeling of protein sequence and biophysical properties (such as structural, functional, and spatial information, amino acid conservation, physicochemical variation, residue mobility, and thermodynamic stability) has been performed for this missense variant. However, the output from this modeling did not meet the statistical confidence thresholds required to predict the impact of this variant on MYH7 protein function. In summary, the available evidence is currently insufficient to determine the role of this variant in disease. Therefore, it has been classified as a Variant of Uncertain Significance.

NM_000257.4(MYH7):c.3568G>T (p.Ala1190Ser)

Gene: MYH7 (myosin heavy chain 7; minus strand). Cytogenetic location: 14q11.2.
Variant type: single nucleotide variant.
Coding change: c.3568G>T on transcript NM_000257.4 (MANE Select); coding-DNA position 3568, G replaced by T.
Protein change: p.Ala1190Ser; replaces alanine 1190 with serine.
Molecular consequence: missense variant.
Genome position (GRCh38, 1-based): chr14:23,420,003, C>A on the plus strand (G>T on the coding strand, the complement: MYH7 is on the minus strand). VCF-style: chr14-23420003-C-A. GRCh37 (hg19) VCF-style: chr14-23889212-C-A.
Other names: c.3568G>T, p.Ala1190Ser (NM_001407004.1); short protein forms A1190S.
Identifiers: ClinVar variation 2824728 (VCV002824728.4), dbSNP rs2502264318, ClinGen allele CA389043441.